The following is an entry in ClinVar:

ClinVar aggregate classification (germline): Pathogenic/Likely pathogenic. Review status: criteria provided, multiple submitters, no conflicts (2 of 4 stars). 3 submissions from 3 submitters: Pathogenic (2); Likely pathogenic (1). Last evaluated 2026-02-01.

Conditions:
L1CAM-related disorders.

Submissions (3):

CeGaT Center for Human Genetics Tuebingen
Classification: Likely pathogenic. Last evaluated: 2026-02-01. Review status: criteria provided, single submitter. Criteria: CeGaT Center For Human Genetics Tuebingen Variant Classification Criteria Version 2. Collection method: clinical testing. Allele origin: germline. Affected: yes. Observed: 2 variant alleles.
Comment: L1CAM: PM2, PM5, PS4:Moderate

Blueprint Genetics
Classification: Pathogenic for L1CAM-related disorders. Last evaluated: 2024-10-04. Review status: criteria provided, single submitter. Criteria: ACMG Guidelines, 2015. Collection method: clinical testing. Allele origin: germline. Affected: yes. Observed: 2 variant alleles.

GeneDx
Classification: Pathogenic. Last evaluated: 2024-03-10. Review status: criteria provided, single submitter. Criteria: GeneDx Variant Classification Process June 2021. Collection method: clinical testing. Allele origin: germline. Affected: yes.
Comment: Observed in hemizygous state in two patients with L1CAM-related brain anomalies in the literature (PMID: 28781826, 30365056) and not observed in hemizygous state in controls; In silico analysis supports that this missense variant has a deleterious effect on protein structure/function; Not observed at significant frequency in large population cohorts (gnomAD); This variant is associated with the following publications: (PMID: 25641508, 30365056, 28781826, 35791503)

NM_001278116.2(L1CAM):c.998C>T (p.Pro333Leu)

Gene: L1CAM (L1 cell adhesion molecule; minus strand). Cytogenetic location: Xq28.
Variant type: single nucleotide variant.
Coding change: c.998C>T on transcript NM_001278116.2 (MANE Select); coding-DNA position 998, C replaced by T.
Protein change: p.Pro333Leu; replaces proline 333 with leucine.
Molecular consequence: missense variant.
Genome position (GRCh38, 1-based): chrX:153,869,928, G>A on the plus strand (C>T on the coding strand, the complement: L1CAM is on the minus strand). VCF-style: chrX-153869928-G-A. GRCh37 (hg19) VCF-style: chrX-153135383-G-A.
Other names: c.998C>T, p.Pro333Leu (NM_000425.5, NM_024003.3); c.983C>T, p.Pro328Leu (NM_001143963.2); short protein forms P328L, P333L.
Identifiers: ClinVar variation 3340397 (VCV003340397.6).
Genomic context (GRCh38, chrX:153,869,928, plus strand): 5'-TCCAGGCGGGCAGTCTCTCCTGGCCCATATAGATGGCTCTGGGGCTTGTGCAGCCAGTAC[G>A]GGGCAGCTGGGAGGAAGGGGAGAGCCGCCCTGAGCCCGCAGCCAGCAGCTGGCTCTTGAC-3'
Protein context (NP_001265045.1, residues 323-343): HAYYVTVEAA[Pro333Leu]YWLHKPQSHL